The following is an entry in ClinVar:

NM_018671.5(UNC45A):c.2003C>A (p.Ser668Tyr)

Gene: UNC45A (unc-45 myosin chaperone A; plus strand). Cytogenetic location: 15q26.1.
Variant type: single nucleotide variant.
Coding change: c.2003C>A on transcript NM_018671.5 (MANE Select); coding-DNA position 2003, C replaced by A.
Protein change: p.Ser668Tyr; replaces serine 668 with tyrosine.
Molecular consequence: missense variant.
Genome position (GRCh38, 1-based): chr15:90,949,440, C>A. VCF-style: chr15-90949440-C-A. GRCh37 (hg19) VCF-style: chr15-91492670-C-A.
Other names: c.1958C>A, p.Ser653Tyr (NM_001039675.2, NM_001323621.2); c.2003C>A, p.Ser668Tyr (NM_001323619.1); c.1568C>A, p.Ser523Tyr (NM_001323620.2); short protein forms S523Y, S668Y, S653Y.
Identifiers: ClinVar variation 1482252 (VCV001482252.3), dbSNP rs144806267, ClinGen allele CA7743134.

ClinVar aggregate classification (germline): Uncertain significance (1 of 4 stars; one submission).

Allele frequency attached by ClinVar (database versions not stated): gnomAD exomes 0.00004; ExAC 0.00005; gnomAD 0.00005; TOPMed 0.00006; ESP Exome Variant Server 0.00023.
gnomAD v4.1: 67 of 1,613,458 alleles (0.0042%); highest among the groups gnomAD compares: African/African-American, 0.008%; no homozygotes.

Submission:

Labcorp Genetics (formerly Invitae), Labcorp
Classification: Uncertain significance. Last evaluated: 2022-08-16. Review status: criteria provided, single submitter. Criteria: Invitae Variant Classification Sherloc (09022015). Collection method: clinical testing. Allele origin: germline.
Comment: This sequence change replaces serine, which is neutral and polar, with tyrosine, which is neutral and polar, at codon 668 of the UNC45A protein (p.Ser668Tyr). This variant is present in population databases (rs144806267, gnomAD 0.02%). This variant has not been reported in the literature in individuals affected with UNC45A-related conditions. ClinVar contains an entry for this variant (Variation ID: 1482252). Experimental studies and prediction algorithms are not available or were not evaluated, and the functional significance of this variant is currently unknown. In summary, the available evidence is currently insufficient to determine the role of this variant in disease. Therefore, it has been classified as a Variant of Uncertain Significance.